The following is an entry in ClinVar:

NM_001211.6(BUB1B):c.572C>T (p.Ser191Phe)

Gene: BUB1B (BUB1 mitotic checkpoint serine/threonine kinase B; plus strand). Cytogenetic location: 15q15.1.
Variant type: single nucleotide variant.
Coding change: c.572C>T on transcript NM_001211.6 (MANE Select); coding-DNA position 572, C replaced by T.
Protein change: p.Ser191Phe; replaces serine 191 with phenylalanine.
Molecular consequence: missense variant.
Genome position (GRCh38, 1-based): chr15:40,176,664, C>T. VCF-style: chr15-40176664-C-T. GRCh37 (hg19) VCF-style: chr15-40468865-C-T.
Other names: short protein forms S191F.
Identifiers: ClinVar variation 133774 (VCV000133774.2), dbSNP rs587778145, ClinGen allele CA157774.
Genomic context (GRCh38, chr15:40,176,664, plus strand): 5'-CAGATGCGATATTTCAGGAAGGGATTCAACAGAAGGCTGAACCACTAGAAAGACTACAGT[C>T]CCAGCACCGGTAAACTTTCTTTGGAGCTTGTCTTAACTCTAAAAATAATAGAAATAAATT-3'
Protein context (NP_001202.5, residues 181-201): QKAEPLERLQ[Ser191Phe]QHRQFQARVS

ClinVar aggregate classification (germline): Uncertain significance. Review status: criteria provided, single submitter (1 of 4 stars). 2 submissions from 2 submitters: Uncertain significance (1). 1 of the submissions does not count toward it. Last evaluated 2026-01-28.

Conditions:
Mosaic variegated aneuploidy syndrome 1 (MVA1). Also called: Warburton-Anyane-Yeboa syndrome. Identifiers: Orphanet 1052, MedGen C1850343, MONDO:0009759, OMIM 257300.

Allele frequency attached by ClinVar (database versions not stated): gnomAD 0.00001.
gnomAD v4.1: 1 of 1,613,870 alleles (0.000062%); highest among the groups gnomAD compares: Admixed American, 0.0017%; no homozygotes.

Submissions (2):

Labcorp Genetics (formerly Invitae), Labcorp
Classification: Uncertain significance for Mosaic variegated aneuploidy syndrome 1. Last evaluated: 2026-01-28. Review status: criteria provided, single submitter. Criteria: Invitae Variant Classification Sherloc (09022015). Collection method: clinical testing. Allele origin: germline.
Comment: This sequence change replaces serine, which is neutral and polar, with phenylalanine, which is neutral and non-polar, at codon 191 of the BUB1B protein (p.Ser191Phe). This variant is not present in population databases (gnomAD no frequency). This variant has not been reported in the literature in individuals affected with BUB1B-related conditions. ClinVar contains an entry for this variant (Variation ID: 133774). An algorithm developed to predict the effect of missense changes on protein structure and function (PolyPhen-2) suggests that this variant is likely to be disruptive. In summary, the available evidence is currently insufficient to determine the role of this variant in disease. Therefore, it has been classified as a Variant of Uncertain Significance.

ITMI
No classification provided. Condition: AllHighlyPenetrant. Last evaluated: 2013-09-19. Review status: no classification provided. Collection method: reference population. Allele origin: germline. Not counted in ClinVar's aggregate classification.
Comment: Please see associated publication for description of ethnicities

Literature cited by the submitters: PubMed 24728327 (cited by ITMI).